The following is an entry in ClinVar:

NM_032043.3(BRIP1):c.991A>T (p.Met331Leu)

Gene: BRIP1 (BRCA1 interacting DNA helicase 1; minus strand). Cytogenetic location: 17q23.2.
Variant type: single nucleotide variant.
Coding change: c.991A>T on transcript NM_032043.3 (MANE Select); coding-DNA position 991, A replaced by T.
Protein change: p.Met331Leu; replaces methionine 331 with leucine.
Molecular consequence: missense variant.
Genome position (GRCh38, 1-based): chr17:61,801,402, T>A on the plus strand (A>T on the coding strand, the complement: BRIP1 is on the minus strand). VCF-style: chr17-61801402-T-A. GRCh37 (hg19) VCF-style: chr17-59878763-T-A.
Other names: short protein forms M331L.
Identifiers: ClinVar variation 483145 (VCV000483145.28), dbSNP rs1380876424, ClinGen allele CA400484162.

ClinVar aggregate classification (germline): Conflicting classifications of pathogenicity. Review status: criteria provided, conflicting classifications (1 of 4 stars). 8 submissions from 8 submitters: Uncertain significance (7); Likely benign (1). Last evaluated 2025-06-24.

Conditions:
Familial ovarian cancer. Identifiers: MedGen C5679802, MONDO:0016248.
Fanconi anemia complementation group J. Also called: BRIP1-Related Fanconi Anemia. Identifiers: Orphanet 84, MedGen C1836860, MONDO:0012187, OMIM 609054.
Familial cancer of breast. Also called: Hereditary breast cancer; hereditary breast carcinoma; BREAST CANCER, FAMILIAL. Identifiers: Orphanet 227535, MedGen C0346153, MONDO:0016419, OMIM 114480. Disease mechanism: loss of function.
Hereditary cancer-predisposing syndrome. Also called: Tumor predisposition; Hereditary Cancer Syndrome; Hereditary neoplastic syndrome; Neoplastic Syndromes, Hereditary. Identifiers: Orphanet 140162, MedGen C0027672, MeSH D009386, MONDO:0015356.

Allele frequency attached by ClinVar (database versions not stated): gnomAD 0.00001; gnomAD exomes below 0.00001.
gnomAD v4.1: 2 of 1,613,850 alleles (0.00012%); highest among the groups gnomAD compares: African/African-American, 0.0013%; no homozygotes.

Submissions (8):

Ambry Genetics
Classification: Likely benign for Hereditary cancer-predisposing syndrome. Last evaluated: 2025-06-24. Review status: criteria provided, single submitter. Criteria: Ambry Variant Classification Scheme 2023. Collection method: clinical testing. Allele origin: germline.

Hema, HEMA – Genetic and Molecular Diagnostic Laboratory
Classification: Uncertain significance for Familial ovarian cancer. Last evaluated: 2025-01-23. Review status: criteria provided, single submitter. Criteria: HEMA Variant Classification Assertion Criteria. Collection method: clinical testing. Allele origin: germline.
Comment: It is a transversion from thymine to adenine, resulting in the substitution of methionine 331 with leucine in the BRIP1 protein. PM2_Supporting: Present at very low frequency in the gnomAD database. PP3: According to the splicing predictor SpliceAI, the variant alters splicing (loss of acceptor score = 0.2 ≥ 0.2; loss of donor score = 0.2 ≥ 0.2).

Labcorp Genetics (formerly Invitae), Labcorp
Classification: Uncertain significance for Familial cancer of breast; Fanconi anemia complementation group J. Last evaluated: 2024-06-16. Review status: criteria provided, single submitter. Criteria: Invitae Variant Classification Sherloc (09022015). Collection method: clinical testing. Allele origin: germline.
Comment: This sequence change replaces methionine, which is neutral and non-polar, with leucine, which is neutral and non-polar, at codon 331 of the BRIP1 protein (p.Met331Leu). This variant is present in population databases (no rsID available, gnomAD 0.0009%). This missense change has been observed in individual(s) with breast cancer (PMID: 35264596). ClinVar contains an entry for this variant (Variation ID: 483145). Advanced modeling of protein sequence and biophysical properties (such as structural, functional, and spatial information, amino acid conservation, physicochemical variation, residue mobility, and thermodynamic stability) performed at Invitae indicates that this missense variant is not expected to disrupt BRIP1 protein function with a negative predictive value of 80%. In summary, the available evidence is currently insufficient to determine the role of this variant in disease. Therefore, it has been classified as a Variant of Uncertain Significance.

Blueprint Genetics
Classification: Uncertain significance. Last evaluated: 2024-03-18. Review status: criteria provided, single submitter. Criteria: ACMG Guidelines, 2015. Collection method: clinical testing. Allele origin: germline.

Color Diagnostics, LLC DBA Color Health
Classification: Uncertain significance for Hereditary cancer-predisposing syndrome. Last evaluated: 2023-03-15. Review status: criteria provided, single submitter. Criteria: ACMG Guidelines, 2015. Collection method: clinical testing. Allele origin: germline.
Comment: This missense variant replaces methionine with leucine at codon 331 of the BRIP1 protein. Computational prediction suggests that this variant may not impact protein structure and function (internally defined REVEL score threshold <= 0.5, PMID: 27666373). To our knowledge, functional studies have not been reported for this variant. This variant has not been reported in individuals affected with BRIP1-related disorders in the literature. This variant has been identified in 1/251264 chromosomes in the general population by the Genome Aggregation Database (gnomAD). The available evidence is insufficient to determine the role of this variant in disease conclusively. Therefore, this variant is classified as a Variant of Uncertain Significance.

Department of Pathology and Laboratory Medicine, Sinai Health System
Classification: Uncertain significance for Familial cancer of breast. Last evaluated: 2022-05-31. Review status: criteria provided, single submitter. Criteria: ACMG Guidelines, 2015. Collection method: clinical testing. Allele origin: germline. Affected: yes.

Mendelics
Classification: Uncertain significance for Fanconi anemia, complementation group J. Last evaluated: 2018-07-02. Review status: criteria provided, single submitter. Criteria: Mendelics Assertion Criteria 2017. Collection method: clinical testing. Allele origin: unknown.

Breakthrough Genomics
Classification: Uncertain significance. Review status: criteria provided, single submitter. Criteria: ACMG Guidelines, 2015. Collection method: not provided. Allele origin: germline. Inheritance: Autosomal dominant inheritance. Affected: yes.

Literature cited by the submitters: PubMed 35264596 (cited by Labcorp Genetics (formerly Invitae), Labcorp).